The following is an entry in ClinVar:

ClinVar aggregate classification (germline): Benign (1 of 4 stars; one submission).

Conditions:
Amyotrophic lateral sclerosis type 21. Also called: VOCAL CORD AND PHARYNGEAL DYSFUNCTION WITH DISTAL MYOPATHY; MYOPATHY, DISTAL, 2. Identifiers: Orphanet 600, Orphanet 803, MedGen C3807521, MONDO:0011632, OMIM 606070.

Allele frequency attached by ClinVar (database versions not stated): ExAC 0.00112; gnomAD exomes 0.00143 and 0.00240; gnomAD 0.01241 and 0.01322; 1000 Genomes Project 0.01298; 1000 Genomes Project 30x 0.01374; TOPMed 0.01384.
gnomAD v4.1: 2,323 of 453,982 alleles (0.51%); highest among the groups gnomAD compares: African/African-American, 4.3%; 52 homozygotes.

Submission:

Illumina Laboratory Services, Illumina
Classification: Benign for Amyotrophic lateral sclerosis type 21. Last evaluated: 2018-01-12. Review status: criteria provided, single submitter. Criteria: ICSL Variant Classification Criteria 13 December 2019. Collection method: clinical testing. Allele origin: germline.
Comment: This variant was observed in the ICSL laboratory as part of a predisposition screen in an ostensibly healthy population. It had not been previously curated by ICSL or reported in the Human Gene Mutation Database (HGMD: prior to June 1st, 2018), and was therefore a candidate for classification through an automated scoring system. Utilizing variant allele frequency, disease prevalence and penetrance estimates, and inheritance mode, an automated score was calculated to assess if this variant is too frequent to cause the disease. Based on the score and internal cut-off values, a variant classified as benign is not then subjected to further curation. The score for this variant resulted in a classification of benign for this disease.

NM_018834.6(MATR3):c.*1535A>G

Gene: MATR3 (matrin 3; plus strand). Cytogenetic location: 5q31.2.
Variant type: single nucleotide variant.
Coding change: c.*1535A>G on transcript NM_018834.6 (MANE Select); 1535 bases downstream of the stop codon, A replaced by G.
Molecular consequence: 3 prime UTR variant.
Genome position (GRCh38, 1-based): chr5:139,330,930, A>G. VCF-style: chr5-139330930-A-G. GRCh37 (hg19) VCF-style: chr5-138666619-A-G.
Other names: c.*1535A>G (NM_001194954.2, NM_001194955.2, NM_001194956.2 and 2 more transcripts).
Identifiers: ClinVar variation 904678 (VCV000904678.4), dbSNP rs111689401, ClinGen allele CA3433615.